The following is an entry in ClinVar:

ClinVar aggregate classification (germline): Uncertain significance (0 of 4 stars; one submission).

Conditions:
Bartter syndrome. Identifiers: Orphanet 112, MedGen C0004775, MONDO:0015231.
Familial hypokalemia-hypomagnesemia (GTLMNS). Also called: POTASSIUM AND MAGNESIUM DEPLETION; HYPOMAGNESEMIA-HYPOKALEMIA, PRIMARY RENOTUBULAR, WITH HYPOCALCIURIA; gitelman syndrome. Identifiers: Orphanet 358, MedGen C0268450, MONDO:0009904, OMIM 263800.

Submission:

Sydney Genome Diagnostics, Children's Hospital Westmead
Classification: Uncertain significance for Familial hypokalemia-hypomagnesemia; Bartter syndrome. Last evaluated: 2019-01-08. Review status: no assertion criteria provided. Collection method: clinical testing. Allele origin: unknown. Affected: yes. Observed: 1 variant allele, 1 homozygote.
Comment: The variant has not been reported in any population databases (i.e. gnomAD, ExAC, ESP or dbSNP). To our knowledge, this variant has not been previously reported in the literature or any disease specific databases. In silico analysis of pathogenicity (through Alamut Visual v2.8.1) using PolyPhen2, SIFT and MutationTaster all suggest that this variant is likely to be pathogenic. However, this analysis alone cannot be used to confirm pathogenicity. This variant is considered to be a variant of uncertain clinical significance (VOUS) according to the ACMG guidelines. (Evidence used: PM2, PP3)

NM_001126108.2(SLC12A3):c.1378G>A (p.Gly460Ser)

Gene: SLC12A3 (solute carrier family 12 member 3; plus strand). Cytogenetic location: 16q13.
Variant type: single nucleotide variant.
Coding change: c.1378G>A on transcript NM_001126108.2 (MANE Select); coding-DNA position 1378, G replaced by A.
Protein change: p.Gly460Ser; replaces glycine 460 with serine.
Molecular consequence: missense variant.
Genome position (GRCh38, 1-based): chr16:56,879,584, G>A. VCF-style: chr16-56879584-G-A. GRCh37 (hg19) VCF-style: chr16-56913496-G-A.
Other names: c.1378G>A, p.Gly460Ser (NM_000339.3); c.1375G>A, p.Gly459Ser (NM_001126107.2); short protein forms G459S, G460S.
Identifiers: ClinVar variation 988204 (VCV000988204.1), dbSNP rs2055210264, ClinGen allele CA395987464.